The following is an entry in ClinVar:

NM_145262.4(GLYCTK):c.788A>G (p.Asn263Ser)

Gene: GLYCTK (glycerate kinase; plus strand). Cytogenetic location: 3p21.2.
Variant type: single nucleotide variant.
Coding change: c.788A>G on transcript NM_145262.4 (MANE Select); coding-DNA position 788, A replaced by G.
Protein change: p.Asn263Ser; replaces asparagine 263 with serine.
Molecular consequence: missense variant. On other transcripts: synonymous variant (1), non-coding transcript variant (3).
Genome position (GRCh38, 1-based): chr3:52,292,342, A>G. VCF-style: chr3-52292342-A-G. GRCh37 (hg19) VCF-style: chr3-52326358-A-G.
Other names: c.612A>G, p.Gln204= (NM_001144951.2); short protein forms N263S.
Identifiers: ClinVar variation 1448143 (VCV001448143.6), dbSNP rs148349115, ClinGen allele CA2432177.

ClinVar aggregate classification (germline): Uncertain significance (1 of 4 stars; one submission).

Allele frequency attached by ClinVar (database versions not stated): ESP Exome Variant Server 0.00023.
gnomAD v4.1: 98 of 1,613,874 alleles (0.0061%); highest among the groups gnomAD compares: Middle Eastern, 0.049%; no homozygotes.

Submission:

Labcorp Genetics (formerly Invitae), Labcorp
Classification: Uncertain significance. Last evaluated: 2025-11-04. Review status: criteria provided, single submitter. Criteria: Invitae Variant Classification Sherloc (09022015). Collection method: clinical testing. Allele origin: germline.
Comment: This sequence change replaces asparagine, which is neutral and polar, with serine, which is neutral and polar, at codon 263 of the GLYCTK protein (p.Asn263Ser). This variant is present in population databases (rs148349115, gnomAD 0.06%). This variant has not been reported in the literature in individuals affected with GLYCTK-related conditions. ClinVar contains an entry for this variant (Variation ID: 1448143). Invitae Evidence Modeling of protein sequence and biophysical properties (such as structural, functional, and spatial information, amino acid conservation, physicochemical variation, residue mobility, and thermodynamic stability) indicates that this missense variant is not expected to disrupt GLYCTK protein function with a negative predictive value of 80%. In summary, the available evidence is currently insufficient to determine the role of this variant in disease. Therefore, it has been classified as a Variant of Uncertain Significance.